The following is an entry in ClinVar:

ClinVar aggregate classification (germline): Pathogenic (1 of 4 stars; one submission).

Submission:

Labcorp Genetics (formerly Invitae), Labcorp
Classification: Pathogenic. Last evaluated: 2017-09-17. Review status: criteria provided, single submitter. Criteria: Invitae Variant Classification Sherloc (09022015). Collection method: clinical testing. Allele origin: germline.
Comment: For these reasons, this variant has been classified as Pathogenic. Loss-of-function variants in GZF1 are known to be pathogenic (PMID: 28475863). This variant has not been reported in the literature in individuals with GZF1-related disease. This variant is not present in population databases (ExAC no frequency). This sequence change creates a premature translational stop signal (p.Lys230Serfs*103) in the GZF1 gene. It is expected to result in an absent or disrupted protein product.

Literature cited by the submitters: PubMed 28475863.

NM_022482.5(GZF1):c.684_687del (p.Lys230fs)

Gene: GZF1 (GDNF inducible zinc finger protein 1; plus strand). Cytogenetic location: 20p11.21.
Variant type: Deletion.
Coding change: c.684_687del on transcript NM_022482.5 (MANE Select); coding-DNA positions 684 to 687, 4 bases deleted (GAGG; older notation c.684_687delGAGG).
Protein change: p.Lys230fs; shifts the reading frame from lysine 230.
Molecular consequence: frameshift variant.
Genome position (GRCh38, 1-based): chr20:23,365,067-23,365,070, GAGG deleted; deleting any 4 consecutive bases within chr20:23,365,065-23,365,070 gives the same sequence; the c. name uses the placement nearest the transcript's 3' end. VCF-style (leftmost placement, unchanged base first): chr20-23365064-TGGGA-T. GRCh37 (hg19) VCF-style: chr20-23345701-TGGGA-T.
Other names: c.684_687del, p.Lys230fs (NM_001317012.2, NM_001317019.1); short protein forms K230fs.
Identifiers: ClinVar variation 1069491 (VCV001069491.7), dbSNP rs2123037779, ClinGen allele CA2499225692.